The following is an entry in ClinVar:

NM_004380.3(CREBBP):c.3836+1G>A

Gene: CREBBP (CREB binding lysine acetyltransferase; minus strand). Cytogenetic location: 16p13.3.
Variant type: single nucleotide variant.
Coding change: c.3836+1G>A on transcript NM_004380.3 (MANE Select); the canonical splice donor site of the intron after coding-DNA position 3836, G replaced by A.
Molecular consequence: splice donor variant.
Genome position (GRCh38, 1-based): chr16:3,749,626, C>T on the plus strand (G>A on the coding strand, the complement: CREBBP is on the minus strand). VCF-style: chr16-3749626-C-T. GRCh37 (hg19) VCF-style: chr16-3799627-C-T.
Other names: c.3722+1G>A (NM_001079846.1).
Identifiers: ClinVar variation 158361 (VCV000158361.18), dbSNP rs200782888, ClinGen allele CA271396.

ClinVar aggregate classification (germline): Pathogenic. Review status: criteria provided, multiple submitters, no conflicts (2 of 4 stars). 5 submissions from 5 submitters: Pathogenic (5). Last evaluated 2024-01-03.

Conditions:
Rubinstein-Taybi syndrome (RSTS). Identifiers: Orphanet 783, MedGen C0035934, MONDO:0019188.
Rubinstein-Taybi syndrome due to CREBBP mutations (RSTS1). Also called: RUBINSTEIN-TAYBI SYNDROME 1, INCOMPLETE; BROAD THUMB-HALLUX SYNDROME; Rubinstein-Taybi syndrome 1; RUBINSTEIN SYNDROME; CREBBP-Related Rubinstein-Taybi Syndrome; BROAD THUMBS AND GREAT TOES, CHARACTERISTIC FACIES, AND IMPAIRED INTELLECTUAL DEVELOPMENT. Identifiers: Orphanet 353277, Orphanet 783, MedGen C4551859, MONDO:0008393, OMIM 180849.

Submissions (7):

Revvity Omics, Revvity
Classification: Pathogenic. Last evaluated: 2024-01-03. Review status: criteria provided, single submitter. Criteria: ACMG Guidelines, 2015. Collection method: clinical testing. Allele origin: germline.

GeneDx
Classification: Pathogenic. Last evaluated: 2023-12-05. Review status: criteria provided, single submitter. Criteria: GeneDx Variant Classification Process June 2021. Collection method: clinical testing. Allele origin: germline. Affected: yes.
Comment: Canonical splice site variant expected to result in aberrant splicing, although in the absence of functional evidence the actual effect of this sequence change is unknown; Not observed at significant frequency in large population cohorts (gnomAD); Also known as IVS22+1 G>A; This variant is associated with the following publications: (PMID: 25525159, 16359492, 32827181)

Labcorp Genetics (formerly Invitae), Labcorp
Classification: Pathogenic for Rubinstein-Taybi syndrome. Last evaluated: 2020-07-25. Review status: criteria provided, single submitter. Criteria: Invitae Variant Classification Sherloc (09022015). Collection method: clinical testing. Allele origin: germline.
Comment: For these reasons, this variant has been classified as Pathogenic. Donor and acceptor splice site variants typically lead to a loss of protein function (PMID: 16199547), and loss-of-function variants in CREBBP are known to be pathogenic (PMID: 17052327, 18792986). This variant has been observed in individual(s) with Rubinstein-Taybi syndrome (PMID: 25388907, 16359492). In at least one individual the variant was observed to be de novo. This variant is also known as IVS22+1G>A. ClinVar contains an entry for this variant (Variation ID: 158361). This variant is not present in population databases (ExAC no frequency). This sequence change affects a donor splice site in intron 21 of the CREBBP gene. It is expected to disrupt RNA splicing and likely results in an absent or disrupted protein product.

Wessex Regional Genetics Laboratory, Salisbury District Hospital
Classification: Pathogenic for Rubinstein-Taybi syndrome due to CREBBP mutations. Last evaluated: 2019-11-05. Review status: criteria provided, single submitter. Criteria: ACMG Guidelines, 2015. Collection method: clinical testing. Allele origin: de novo, unknown. Inheritance: Autosomal dominant inheritance. Affected: yes. Observed: 2 variant alleles.

Genetic Services Laboratory, University of Chicago
Classification: Pathogenic for Rubinstein-Taybi syndrome. Last evaluated: 2013-02-08. Review status: criteria provided, single submitter. Criteria: ACMG Guidelines, 2007. Collection method: clinical testing. Allele origin: germline. Inheritance: Autosomal dominant inheritance. Affected: yes.

Dr. Peter K. Rogan Lab, Western University
No classification provided (evidence only). Condition: Malignant tumor of urinary bladder. Review status: no classification provided. Collection method: in vitro. Allele origin: not applicable. Functional consequence: skipped exon. Not counted in ClinVar's aggregate classification.

Dr. Peter K. Rogan Lab, Western University
No classification provided (evidence only). Condition: Malignant tumor of urinary bladder. Review status: no classification provided. Collection method: in vitro. Allele origin: not applicable. Functional consequence: skipped exon. Not counted in ClinVar's aggregate classification.

Literature cited by the submitters: PubMed 16199547 (cited by Labcorp Genetics (formerly Invitae), Labcorp); PubMed 17052327 (cited by Labcorp Genetics (formerly Invitae), Labcorp); PubMed 18792986 (cited by Labcorp Genetics (formerly Invitae), Labcorp); PubMed 25388907 (cited by Labcorp Genetics (formerly Invitae), Labcorp); PubMed 16359492 (cited by Labcorp Genetics (formerly Invitae), Labcorp).